The following is an entry in ClinVar:

NM_003801.4(GPAA1):c.1540G>A (p.Ala514Thr)

Gene: GPAA1 (glycosylphosphatidylinositol anchor attachment 1; plus strand). Cytogenetic location: 8q24.3.
Variant type: single nucleotide variant.
Coding change: c.1540G>A on transcript NM_003801.4 (MANE Select); coding-DNA position 1540, G replaced by A.
Protein change: p.Ala514Thr; replaces alanine 514 with threonine.
Molecular consequence: missense variant.
Genome position (GRCh38, 1-based): chr8:144,085,661, G>A. VCF-style: chr8-144085661-G-A. GRCh37 (hg19) VCF-style: chr8-145140564-G-A.
Other names: p.Ala514Thr; short protein forms A514T.
Identifiers: ClinVar variation 774254 (VCV000774254.35), dbSNP rs112521600, ClinGen allele CA4933192.

ClinVar aggregate classification (germline): Benign/Likely benign. Review status: criteria provided, multiple submitters, no conflicts (2 of 4 stars). 5 submissions from 5 submitters: Benign (3); Likely benign (1). 1 of the submissions does not count toward it. Last evaluated 2026-09-01.

Conditions:
GPAA1-related disorder. Also called: GPAA1-related condition.

Allele frequency attached by ClinVar (database versions not stated): 1000 Genomes Project 0.00240; 1000 Genomes Project 30x 0.00297; TOPMed 0.00398; gnomAD 0.00434 and 0.00440; gnomAD exomes 0.00470 and 0.00693; ESP Exome Variant Server 0.00522; ExAC 0.00527.

Submissions (5):

CeGaT Center for Human Genetics Tuebingen
Classification: Likely benign. Last evaluated: 2026-09-01. Review status: criteria provided, single submitter. Criteria: CeGaT Center For Human Genetics Tuebingen Variant Classification Criteria Version 2. Collection method: clinical testing. Allele origin: germline. Affected: yes. Observed: 18 variant alleles.
Comment: GPAA1: BP4, BS2

Labcorp Genetics (formerly Invitae), Labcorp
Classification: Benign. Last evaluated: 2026-02-02. Review status: criteria provided, single submitter. Criteria: Invitae Variant Classification Sherloc (09022015). Collection method: clinical testing. Allele origin: germline.

Mayo Clinic Laboratories, Mayo Clinic
Classification: Benign. Last evaluated: 2024-07-31. Review status: criteria provided, single submitter. Criteria: ACMG Guidelines, 2015. Collection method: clinical testing. Allele origin: germline. Observed: 6 variant alleles.
Comment: BA1, BS2, BP4

Breakthrough Genomics
Classification: Benign. Review status: criteria provided, single submitter. Criteria: ACMG Guidelines, 2015. Collection method: not provided. Allele origin: germline. Inheritance: Autosomal recessive inheritance. Affected: yes.

PreventionGenetics, part of Exact Sciences
Classification: Benign for GPAA1-related condition. Last evaluated: 2019-07-12. Review status: no assertion criteria provided. Collection method: clinical testing. Allele origin: germline. Not counted in ClinVar's aggregate classification.
Comment: This variant is classified as benign based on ACMG/AMP sequence variant interpretation guidelines (Richards et al. 2015 PMID: 25741868, with internal and published modifications).